The following is an entry in ClinVar:

NM_000094.4(COL7A1):c.8277T>A (p.Pro2759=)

Gene: COL7A1 (collagen type VII alpha 1 chain; minus strand). Cytogenetic location: 3p21.31.
Variant type: single nucleotide variant.
Coding change: c.8277T>A on transcript NM_000094.4 (MANE Select); coding-DNA position 8277, T replaced by A.
Protein change: p.Pro2759=; no amino-acid change (proline 2759 retained).
Molecular consequence: synonymous variant.
Genome position (GRCh38, 1-based): chr3:48,566,687, A>T on the plus strand (T>A on the coding strand, the complement: COL7A1 is on the minus strand). VCF-style: chr3-48566687-A-T. GRCh37 (hg19) VCF-style: chr3-48604120-A-T.
Identifiers: ClinVar variation 3036403 (VCV003036403.2), dbSNP rs2107631849, ClinGen allele CA433616575.

ClinVar aggregate classification (germline): Likely benign (0 of 4 stars; one submission).

Conditions:
COL7A1-related disorder. Also called: COL7A1- related disorders; COL7A1-related condition.

Submission:

PreventionGenetics, part of Exact Sciences
Classification: Likely benign for COL7A1-related condition. Last evaluated: 2020-10-29. Review status: no assertion criteria provided. Collection method: clinical testing. Allele origin: germline.
Comment: This variant is classified as likely benign based on ACMG/AMP sequence variant interpretation guidelines (Richards et al. 2015 PMID: 25741868, with internal and published modifications).